The following is an entry in ClinVar:

ClinVar aggregate classification (germline): Benign (1 of 4 stars; one submission).

Conditions:
Leukodystrophy, hypomyelinating, 7, with or without oligodontia and/or hypogonadotropic hypogonadism (HLD7). Also called: LEUKOENCEPHALOPATHY, HYPOMYELINATING, WITH ATAXIA AND DELAYED DENTITION; ATAXIA, DELAYED DENTITION, AND HYPOMYELINATION; LEUKODYSTROPHY, HYPOMYELINATING, 7, WITH OLIGODONTIA; LEUKODYSTROPHY, HYPOMYELINATING, 7, WITH OLIGODONTIA AND HYPOGONADOTROPIC HYPOGONADISM; LEUKODYSTROPHY, HYPOMYELINATING, 7, WITHOUT OLIGODONTIA OR HYPOGONADOTROPIC HYPOGONADISM; Ataxia, Delayed Dentition and Hypomyelination (ADDH). Identifiers: Orphanet 137639, Orphanet 447893, Orphanet 447896, Orphanet 77295, Orphanet 88637, MedGen CN034185, MONDO:0011897, OMIM 607694.

Allele frequency attached by ClinVar (database versions not stated): gnomAD exomes 0.00373; gnomAD 0.02869 and 0.03063; TOPMed 0.03255; 1000 Genomes Project 0.03494; 1000 Genomes Project 30x 0.03888.

Submission:

Illumina Laboratory Services, Illumina
Classification: Benign for Leukodystrophy, hypomyelinating, 7, with or without oligodontia and/or hypogonadotropic hypogonadism. Last evaluated: 2018-01-12. Review status: criteria provided, single submitter. Criteria: ICSL Variant Classification Criteria 13 December 2019. Collection method: clinical testing. Allele origin: germline.
Comment: This variant was observed in the ICSL laboratory as part of a predisposition screen in an ostensibly healthy population. It had not been previously curated by ICSL or reported in the Human Gene Mutation Database (HGMD: prior to June 1st, 2018), and was therefore a candidate for classification through an automated scoring system. Utilizing variant allele frequency, disease prevalence and penetrance estimates, and inheritance mode, an automated score was calculated to assess if this variant is too frequent to cause the disease. Based on the score and internal cut-off values, a variant classified as benign is not then subjected to further curation. The score for this variant resulted in a classification of benign for this disease.

NM_007055.4(POLR3A):c.*426C>T

Gene: POLR3A (RNA polymerase III subunit A; minus strand). Cytogenetic location: 10q22.3.
Variant type: single nucleotide variant.
Coding change: c.*426C>T on transcript NM_007055.4 (MANE Select); 426 bases downstream of the stop codon, C replaced by T.
Molecular consequence: 3 prime UTR variant.
Genome position (GRCh38, 1-based): chr10:77,977,052, G>A on the plus strand (C>T on the coding strand, the complement: POLR3A is on the minus strand). VCF-style: chr10-77977052-G-A. GRCh37 (hg19) VCF-style: chr10-79736810-G-A.
Identifiers: ClinVar variation 301026 (VCV000301026.5), dbSNP rs76696077, ClinGen allele CA10632387.